The following is an entry in ClinVar:

ClinVar aggregate classification (germline): Pathogenic (1 of 4 stars; one submission).

Submission:

GeneDx
Classification: Pathogenic. Last evaluated: 2024-05-08. Review status: criteria provided, single submitter. Criteria: GeneDx Variant Classification Process June 2021. Collection method: clinical testing. Allele origin: germline. Affected: yes.
Comment: Frameshift variant predicted to result in protein truncation or nonsense mediated decay in a gene for which loss of function is a known mechanism of disease; Not observed at significant frequency in large population cohorts (gnomAD); Has not been previously published as pathogenic or benign to our knowledge

NM_006421.5(ARFGEF1):c.2316_2317del (p.Ser773fs)

Gene: ARFGEF1 (ARF guanine nucleotide exchange factor 1; minus strand). Cytogenetic location: 8q13.2.
Variant type: Deletion.
Coding change: c.2316_2317del on transcript NM_006421.5 (MANE Select); coding-DNA positions 2316 to 2317, 2 bases deleted (TT; older notation c.2316_2317delTT).
Protein change: p.Ser773fs; shifts the reading frame from serine 773.
Molecular consequence: frameshift variant. On other transcripts: non-coding transcript variant (1).
Genome position (GRCh38, 1-based): chr8:67,258,209-67,258,210, AA deleted on the plus strand (TT on the coding strand, the reverse complement: ARFGEF1 is on the minus strand); deleting any 2 consecutive bases within chr8:67,258,209-67,258,212 gives the same sequence; the c. name uses the placement nearest the transcript's 3' end. VCF-style (leftmost placement, unchanged base first): chr8-67258208-GAA-G. GRCh37 (hg19) VCF-style: chr8-68170443-GAA-G.
Other names: c.2316_2317del, p.Ser773fs (NM_001413184.1, NM_001413185.1, NM_001413186.1 and 7 more transcripts); c.1716_1717del, p.Ser573fs (NM_001413188.1, NM_001413193.1, NM_001413197.1); c.891_892del, p.Ser298fs (NM_001413196.1); short protein forms S298fs, S573fs, S773fs.
Identifiers: ClinVar variation 3375639 (VCV003375639.1).